The following is an entry in ClinVar:

NM_018979.4(WNK1):c.6356C>T (p.Pro2119Leu)

Gene: WNK1 (WNK lysine deficient protein kinase 1; plus strand). Cytogenetic location: 12p13.33.
Variant type: single nucleotide variant.
Coding change: c.6356C>T on transcript NM_018979.4 (MANE Select); coding-DNA position 6356, C replaced by T.
Protein change: p.Pro2119Leu; replaces proline 2119 with leucine.
Molecular consequence: missense variant.
Genome position (GRCh38, 1-based): chr12:897,589, C>T. VCF-style: chr12-897589-C-T. GRCh37 (hg19) VCF-style: chr12-1006755-C-T.
Other names: c.7136C>T, p.Pro2379Leu (NM_001184985.2); c.5612C>T, p.Pro1871Leu (NM_014823.3); c.7112C>T, p.Pro2371Leu (NM_213655.5); short protein forms P1871L, P2119L, P2371L, P2379L.
Identifiers: ClinVar variation 3372161 (VCV003372161.1).

ClinVar aggregate classification (germline): Uncertain significance (1 of 4 stars; one submission).

Submission:

GeneDx
Classification: Uncertain significance. Last evaluated: 2024-04-05. Review status: criteria provided, single submitter. Criteria: GeneDx Variant Classification Process June 2021. Collection method: clinical testing. Allele origin: germline. Affected: yes.
Comment: Not observed at significant frequency in large population cohorts (gnomAD); In silico analysis supports that this missense variant has a deleterious effect on protein structure/function; Has not been previously published as pathogenic or benign to our knowledge